The following is an entry in ClinVar:

NM_001792.5(CDH2):c.1079A>G (p.Tyr360Cys)

Gene: CDH2 (cadherin 2; minus strand). Cytogenetic location: 18q12.1.
Variant type: single nucleotide variant.
Coding change: c.1079A>G on transcript NM_001792.5 (MANE Select); coding-DNA position 1079, A replaced by G.
Protein change: p.Tyr360Cys; replaces tyrosine 360 with cysteine.
Molecular consequence: missense variant.
Genome position (GRCh38, 1-based): chr18:27,993,579, T>C on the plus strand (A>G on the coding strand, the complement: CDH2 is on the minus strand). VCF-style: chr18-27993579-T-C. GRCh37 (hg19) VCF-style: chr18-25573543-T-C.
Other names: c.986A>G, p.Tyr329Cys (NM_001308176.2); short protein forms Y360C, Y329C.
Identifiers: ClinVar variation 2115807 (VCV002115807.4), dbSNP rs2510800411, ClinGen allele CA402111555.
Genomic context (GRCh38, chr18:27,993,579, plus strand): 5'-GGAGGATTGTCATTGACATCTGTCACTGTGATGACGGCCGTGGCTGTGTTTGAAAGGCCA[T>C]ATGTGGGATTGCCTTCCATGTCTGTAGCTTGAATTATTAACGTATACTGTTGCACTTTCT-3'
Protein context (NP_001783.2, residues 350-370): QATDMEGNPT[Tyr360Cys]GLSNTATAVI

ClinVar aggregate classification (germline): Uncertain significance (1 of 4 stars; one submission).

Submission:

Labcorp Genetics (formerly Invitae), Labcorp
Classification: Uncertain significance. Last evaluated: 2022-03-23. Review status: criteria provided, single submitter. Criteria: Invitae Variant Classification Sherloc (09022015). Collection method: clinical testing. Allele origin: germline.
Comment: This variant has not been reported in the literature in individuals affected with CDH2-related conditions. This variant is not present in population databases (gnomAD no frequency). This sequence change replaces tyrosine, which is neutral and polar, with cysteine, which is neutral and slightly polar, at codon 360 of the CDH2 protein (p.Tyr360Cys). Algorithms developed to predict the effect of missense changes on protein structure and function (SIFT, PolyPhen-2, Align-GVGD) all suggest that this variant is likely to be disruptive. In summary, the available evidence is currently insufficient to determine the role of this variant in disease. Therefore, it has been classified as a Variant of Uncertain Significance.